The following is an entry in ClinVar:

NM_000194.3(HPRT1):c.486-11G>A

Gene: HPRT1 (hypoxanthine phosphoribosyltransferase 1; plus strand). Cytogenetic location: Xq26.2.
Variant type: single nucleotide variant.
Coding change: c.486-11G>A on transcript NM_000194.3 (MANE Select); 11 bases into the intron before coding-DNA position 486, G replaced by A.
Molecular consequence: intron variant.
Genome position (GRCh38, 1-based): chrX:134,498,379, G>A. VCF-style: chrX-134498379-G-A. GRCh37 (hg19) VCF-style: chrX-133632409-G-A.
Identifiers: ClinVar variation 1285352 (VCV001285352.32), dbSNP rs775260163, ClinGen allele CA10521429.

ClinVar aggregate classification (germline): Benign/Likely benign. Review status: criteria provided, multiple submitters, no conflicts (2 of 4 stars). 5 submissions from 5 submitters: Benign (2); Likely benign (3). Last evaluated 2026-01-11.

Conditions:
Partial hypoxanthine-guanine phosphoribosyltransferase deficiency. Also called: GOUT, HPRT-RELATED; HPRT1 DEFICIENCY, PARTIAL; HPRT DEFICIENCY, PARTIAL; HYPOXANTHINE GUANINE PHOSPHORIBOSYLTRANSFERASE 1 DEFICIENCY, PARTIAL; Kelley-Seegmiller Syndrome. Identifiers: Orphanet 79233, MedGen C0268117, MONDO:0010299, OMIM 300323.
Lesch-Nyhan syndrome (LNS). Also called: Lesch-Nyhan Disease (LND); HPRT DEFICIENCY, COMPLETE. Identifiers: Orphanet 510, MedGen C0023374, MONDO:0010298, OMIM 300322.

Allele frequency attached by ClinVar (database versions not stated): TOPMed 0.00017; gnomAD 0.00023 and 0.00024; gnomAD exomes 0.00023 and 0.00038; ExAC 0.00024.
gnomAD v4.1: 429 of 1,185,441 alleles (0.036%); highest among the groups gnomAD compares: Middle Eastern, 0.3%; no homozygotes.

Submissions (5):

Labcorp Genetics (formerly Invitae), Labcorp
Classification: Benign for Lesch-Nyhan syndrome; Partial hypoxanthine-guanine phosphoribosyltransferase deficiency. Last evaluated: 2026-01-11. Review status: criteria provided, single submitter. Criteria: Invitae Variant Classification Sherloc (09022015). Collection method: clinical testing. Allele origin: germline.

CeGaT Center for Human Genetics Tuebingen
Classification: Likely benign. Last evaluated: 2025-06-01. Review status: criteria provided, single submitter. Criteria: CeGaT Center For Human Genetics Tuebingen Variant Classification Criteria Version 2. Collection method: clinical testing. Allele origin: germline. Affected: yes. Observed: 4 variant alleles.
Comment: HPRT1: BP4, BS1

Blueprint Genetics
Classification: Likely benign. Last evaluated: 2024-11-05. Review status: criteria provided, single submitter. Criteria: ACMG Guidelines, 2015. Collection method: clinical testing. Allele origin: germline.

Genome-Nilou Lab
Classification: Benign for Partial hypoxanthine-guanine phosphoribosyltransferase deficiency. Last evaluated: 2021-08-10. Review status: criteria provided, single submitter. Criteria: ACMG Guidelines, 2015. Collection method: clinical testing. Allele origin: germline. Affected: no.

Breakthrough Genomics
Classification: Likely benign. Review status: criteria provided, single submitter. Criteria: ACMG Guidelines, 2015. Collection method: not provided. Allele origin: germline. Inheritance: X-linked inheritance. Affected: yes.